The following is an entry in ClinVar:

ClinVar aggregate classification (germline): Uncertain significance. Review status: criteria provided, multiple submitters, no conflicts (2 of 4 stars). 3 submissions from 3 submitters: Uncertain significance (3). Last evaluated 2026-05-18.

Conditions:
CNGB1-related disorder. Also called: CNGB1-related condition.

Allele frequency attached by ClinVar (database versions not stated): TOPMed 0.00001; gnomAD exomes 0.00002; ExAC 0.00003.
gnomAD v4.1: 37 of 1,614,192 alleles (0.0023%); highest among the groups gnomAD compares: East Asian, 0.0089%; no homozygotes.

Submissions (3):

PreventionGenetics, part of Exact Sciences
Classification: Uncertain significance for CNGB1-related condition. Last evaluated: 2026-05-18. Review status: criteria provided, single submitter. Criteria: ACMG Guidelines, 2015. Collection method: clinical testing. Allele origin: germline.
Comment: The CNGB1 c.3404G>A variant is predicted to result in the amino acid substitution p.Arg1135Gln. To our knowledge, this variant has not been reported in the literature. This variant is reported in 0.011% of alleles in individuals of East Asian descent in gnomAD. At this time, the clinical significance of this variant is uncertain due to the absence of conclusive functional and genetic evidence.

Blueprint Genetics
Classification: Uncertain significance. Last evaluated: 2024-03-06. Review status: criteria provided, single submitter. Criteria: ACMG Guidelines, 2015. Collection method: clinical testing. Allele origin: germline.

Labcorp Genetics (formerly Invitae), Labcorp
Classification: Uncertain significance. Last evaluated: 2021-08-20. Review status: criteria provided, single submitter. Criteria: Invitae Variant Classification Sherloc (09022015). Collection method: clinical testing. Allele origin: germline.
Comment: This sequence change replaces arginine with glutamine at codon 1135 of the CNGB1 protein (p.Arg1135Gln). The arginine residue is moderately conserved and there is a small physicochemical difference between arginine and glutamine. This variant is present in population databases (rs766474948, ExAC 0.03%). This variant has not been reported in the literature in individuals affected with CNGB1-related conditions. Advanced modeling of protein sequence and biophysical properties (such as structural, functional, and spatial information, amino acid conservation, physicochemical variation, residue mobility, and thermodynamic stability) performed at Invitae indicates that this missense variant is not expected to disrupt CNGB1 protein function. Algorithms developed to predict the effect of sequence changes on RNA splicing suggest that this variant may create or strengthen a splice site. In summary, the available evidence is currently insufficient to determine the role of this variant in disease. Therefore, it has been classified as a Variant of Uncertain Significance.

NM_001297.5(CNGB1):c.3404G>A (p.Arg1135Gln)

Gene: CNGB1 (cyclic nucleotide gated channel subunit beta 1; minus strand). Cytogenetic location: 16q21.
Variant type: single nucleotide variant.
Coding change: c.3404G>A on transcript NM_001297.5 (MANE Select); coding-DNA position 3404, G replaced by A.
Protein change: p.Arg1135Gln; replaces arginine 1135 with glutamine.
Molecular consequence: missense variant.
Genome position (GRCh38, 1-based): chr16:57,887,913, C>T on the plus strand (G>A on the coding strand, the complement: CNGB1 is on the minus strand). VCF-style: chr16-57887913-C-T. GRCh37 (hg19) VCF-style: chr16-57921817-C-T.
Other names: c.3386G>A, p.Arg1129Gln (NM_001286130.2); c.3404G>A (NM_001297.4); short protein forms R1129Q, R1135Q.
Identifiers: ClinVar variation 1419893 (VCV001419893.7), dbSNP rs766474948, ClinGen allele CA8082579.